The following is an entry in ClinVar:

NM_000500.9(CYP21A2):c.274A>G (p.Arg92Gly)

Genes: CYP21A2 (cytochrome P450 family 21 subfamily A member 2; plus strand), LOC106780800 (CYP21A2 recombination region; plus strand). Cytogenetic location: 6p21.33.
Variant type: single nucleotide variant.
Coding change: c.274A>G on transcript NM_000500.9 (MANE Select); coding-DNA position 274, A replaced by G.
Protein change: p.Arg92Gly; replaces arginine 92 with glycine.
Molecular consequence: missense variant. On other transcripts: 5 prime UTR variant (1), intron variant (2).
Genome position (GRCh38, 1-based): chr6:32,038,793, A>G. VCF-style: chr6-32038793-A-G. GRCh37 (hg19) VCF-style: chr6-32006570-A-G.
Other names: c.-151A>G (NM_001368143.2); c.-133+169A>G (NM_001368144.2); c.202+169A>G (NM_001128590.4); short protein forms R92G.
Identifiers: ClinVar variation 448906 (VCV000448906.5), dbSNP rs1554304513, ClinGen allele CA363500061.

ClinVar aggregate classification (germline): Pathogenic/Likely pathogenic. Review status: criteria provided, multiple submitters, no conflicts (2 of 4 stars). 2 submissions from 2 submitters: Pathogenic (1); Likely pathogenic (1). Last evaluated 2025-07-22.

Conditions:
21-Hydroxylase-Deficient Congenital Adrenal Hyperplasia. Also called: ADRENAL HYPERPLASIA, CONGENITAL, DUE TO 21-HYDROXYLASE DEFICIENCY; ADRENAL HYPERPLASIA III. Identifiers: MedGen C2936858, OMIM 201910.
Congenital adrenal hyperplasia. Identifiers: Orphanet 418, MedGen C0001627, MONDO:0018479, HP:0008258.

Submissions (2):

Women's Health and Genetics/Laboratory Corporation of America, LabCorp
Classification: Pathogenic for Congenital adrenal hyperplasia. Last evaluated: 2025-07-22. Review status: criteria provided, single submitter. Criteria: LabCorp Variant Classification Summary - May 2015. Collection method: clinical testing. Allele origin: germline.
Comment: Variant summary: CYP21A2 c.274A>G (p.Arg92Gly) results in a non-conservative amino acid change in the encoded protein sequence. Algorithms developed to predict the effect of missense changes on protein structure and function all suggest that this variant is likely to be disruptive. The frequency data for this variant in gnomAD is considered unreliable, as metrics indicate poor data quality at this position. c.274A>G has been observed in multiple individuals affected with Congenital Adrenal Hyperplasia due to 21-hydroxylase deficiency (e.g., Wang_2016, Gangodkar_2021, Xia_2022). These data indicate that the variant is very likely to be associated with disease. The following publications have been ascertained in the context of this evaluation (PMID: 26804566, 32948948, 35882282). ClinVar contains an entry for this variant (Variation ID: 448906). Based on the evidence outlined above, the variant was classified as pathogenic.

GenePathDx, GenePath diagnostics
Classification: Likely pathogenic for 21-Hydroxylase-Deficient Congenital Adrenal Hyperplasia. Last evaluated: 2017-06-15. Review status: criteria provided, single submitter. Criteria: GenePathDx_Criteria_classificationV2. Collection method: clinical testing. Allele origin: germline. Inheritance: Autosomal recessive inheritance. Affected: yes. Observed: 1 variant allele, 1 homozygote.

Literature cited by the submitters: PubMed 26804566 (cited by Women's Health and Genetics/Laboratory Corporation of America, LabCorp); PubMed 35882282 (cited by Women's Health and Genetics/Laboratory Corporation of America, LabCorp); PubMed 32948948 (cited by Women's Health and Genetics/Laboratory Corporation of America, LabCorp).